The following is an entry in ClinVar:

NM_004260.4(RECQL4):c.2719C>T (p.Gln907Ter)

Gene: RECQL4 (RecQ like helicase 4; minus strand). Cytogenetic location: 8q24.3.
Variant type: single nucleotide variant.
Coding change: c.2719C>T on transcript NM_004260.4 (MANE Select); coding-DNA position 2719, C replaced by T.
Protein change: p.Gln907Ter; replaces glutamine 907 with a stop codon.
Molecular consequence: nonsense.
Genome position (GRCh38, 1-based): chr8:144,512,883, G>A on the plus strand (C>T on the coding strand, the complement: RECQL4 is on the minus strand). VCF-style: chr8-144512883-G-A. GRCh37 (hg19) VCF-style: chr8-145738266-G-A.
Other names: short protein forms Q907*.
Identifiers: ClinVar variation 1404316 (VCV001404316.9), dbSNP rs749389984, ClinGen allele CA4948138.

ClinVar aggregate classification (germline): Pathogenic/Likely pathogenic. Review status: criteria provided, multiple submitters, no conflicts (2 of 4 stars). 2 submissions from 2 submitters: Pathogenic (1); Likely pathogenic (1). Last evaluated 2025-11-17.

Conditions:
Baller-Gerold syndrome (BGS). Also called: CRANIOSYNOSTOSIS WITH RADIAL DEFECTS. Identifiers: Orphanet 1225, MedGen C0265308, MONDO:0009039, OMIM 218600.
RECQL4-related disorder. Also called: RECQL4-related condition; RECQL4-related disorders.

Allele frequency attached by ClinVar (database versions not stated): ExAC 0.00003.
gnomAD v4.1: 4 of 1,595,880 alleles (0.00025%); highest among the groups gnomAD compares: South Asian, 0.0023%; no homozygotes.

Submissions (2):

Labcorp Genetics (formerly Invitae), Labcorp
Classification: Pathogenic for Baller-Gerold syndrome. Last evaluated: 2025-11-17. Review status: criteria provided, single submitter. Criteria: Invitae Variant Classification Sherloc (09022015). Collection method: clinical testing. Allele origin: germline.
Comment: This sequence change creates a premature translational stop signal (p.Gln907*) in the RECQL4 gene. It is expected to result in an absent or disrupted protein product. Loss-of-function variants in RECQL4 are known to be pathogenic (PMID: 12734318, 12952869). The frequency data for this variant in the population databases is considered unreliable, as metrics indicate poor data quality at this position in the gnomAD database. This premature translational stop signal has been observed in individual(s) with Rothmund-Thomson syndrome (RTS) (PMID: 28486640). ClinVar contains an entry for this variant (Variation ID: 1404316). For these reasons, this variant has been classified as Pathogenic.

Blueprint Genetics
Classification: Likely pathogenic for RECQL4-related disorders. Last evaluated: 2021-07-23. Review status: criteria provided, single submitter. Criteria: ACMG Guidelines, 2015. Collection method: clinical testing. Allele origin: germline. Affected: yes. Observed: 1 variant allele.

Literature cited by the submitters: PubMed 12734318 (cited by Labcorp Genetics (formerly Invitae), Labcorp); PubMed 12952869 (cited by Labcorp Genetics (formerly Invitae), Labcorp); PubMed 28486640 (cited by Labcorp Genetics (formerly Invitae), Labcorp).